The following is an entry in ClinVar:

ClinVar aggregate classification (germline): Pathogenic/Likely pathogenic. Review status: criteria provided, multiple submitters, no conflicts (2 of 4 stars). 2 submissions from 2 submitters: Pathogenic (1); Likely pathogenic (1). Last evaluated 2025-08-13.

Conditions:
Perlman syndrome (PRLMNS). Identifiers: Orphanet 2849, MedGen C0796113, MONDO:0009965, OMIM 267000.

Allele frequency attached by ClinVar (database versions not stated): gnomAD 0.00001; gnomAD exomes 0.00002; TOPMed 0.00002; ExAC 0.00003.
gnomAD v4.1: 11 of 1,613,368 alleles (0.00068%); highest among the groups gnomAD compares: East Asian, 0.0045%; no homozygotes.

Submissions (2):

Labcorp Genetics (formerly Invitae), Labcorp
Classification: Pathogenic for Perlman syndrome. Last evaluated: 2025-08-13. Review status: criteria provided, single submitter. Criteria: Invitae Variant Classification Sherloc (09022015). Collection method: clinical testing. Allele origin: germline.
Comment: This sequence change creates a premature translational stop signal (p.Arg724*) in the DIS3L2 gene. It is expected to result in an absent or disrupted protein product. Loss-of-function variants in DIS3L2 are known to be pathogenic (PMID: 22306653, 28328139). This variant is present in population databases (rs773260717, gnomAD 0.007%). This premature translational stop signal has been observed in individual(s) with clinical features of Lynch syndrome (PMID: 31350202). ClinVar contains an entry for this variant (Variation ID: 963423). For these reasons, this variant has been classified as Pathogenic.

Baylor Genetics
Classification: Likely pathogenic for Perlman syndrome. Last evaluated: 2024-02-15. Review status: criteria provided, single submitter. Criteria: ACMG Guidelines, 2015. Collection method: clinical testing. Allele origin: unknown.

Literature cited by the submitters: PubMed 22306653 (cited by Labcorp Genetics (formerly Invitae), Labcorp); PubMed 28328139 (cited by Labcorp Genetics (formerly Invitae), Labcorp); PubMed 31350202 (cited by Labcorp Genetics (formerly Invitae), Labcorp).

NM_152383.5(DIS3L2):c.2170C>T (p.Arg724Ter)

Gene: DIS3L2 (DIS3 like 3'-5' exoribonuclease 2; plus strand). Cytogenetic location: 2q37.1.
Variant type: single nucleotide variant.
Coding change: c.2170C>T on transcript NM_152383.5 (MANE Select); coding-DNA position 2170, C replaced by T.
Protein change: p.Arg724Ter; replaces arginine 724 with a stop codon.
Molecular consequence: nonsense. On other transcripts: non-coding transcript variant (2), intron variant (1).
Genome position (GRCh38, 1-based): chr2:232,334,380, C>T. VCF-style: chr2-232334380-C-T. GRCh37 (hg19) VCF-style: chr2-233199090-C-T.
Other names: c.1582-8965C>T (NM_001257281.2); short protein forms R724*.
Identifiers: ClinVar variation 963423 (VCV000963423.12), dbSNP rs773260717, ClinGen allele CA2164436.